The following is an entry in ClinVar:

NM_001793.6(CDH3):c.2476G>A (p.Gly826Arg)

Gene: CDH3 (cadherin 3; plus strand). Cytogenetic location: 16q22.1.
Variant type: single nucleotide variant.
Coding change: c.2476G>A on transcript NM_001793.6 (MANE Select); coding-DNA position 2476, G replaced by A.
Protein change: p.Gly826Arg; replaces glycine 826 with arginine.
Molecular consequence: missense variant. On other transcripts: 3 prime UTR variant (1).
Genome position (GRCh38, 1-based): chr16:68,698,386, G>A. VCF-style: chr16-68698386-G-A. GRCh37 (hg19) VCF-style: chr16-68732289-G-A.
Other names: c.*219G>A (NM_001317195.3); c.2311G>A, p.Gly771Arg (NM_001317196.2); short protein forms G771R, G826R.
Identifiers: ClinVar variation 1381107 (VCV001381107.7), dbSNP rs561914735, ClinGen allele CA8129751.

ClinVar aggregate classification (germline): Uncertain significance. Review status: criteria provided, multiple submitters, no conflicts (2 of 4 stars). 2 submissions from 2 submitters: Uncertain significance (2). Last evaluated 2022-11-30.

Allele frequency attached by ClinVar (database versions not stated): TOPMed 0.00002; gnomAD exomes 0.00003; ExAC 0.00004; 1000 Genomes Project 0.00020; 1000 Genomes Project 30x 0.00031.
gnomAD v4.1: 33 of 1,614,004 alleles (0.002%); highest among the groups gnomAD compares: South Asian, 0.0044%; no homozygotes.

Submissions (2):

Blueprint Genetics
Classification: Uncertain significance. Last evaluated: 2022-11-30. Review status: criteria provided, single submitter. Criteria: ACMG Guidelines, 2015. Collection method: clinical testing. Allele origin: germline.

Labcorp Genetics (formerly Invitae), Labcorp
Classification: Uncertain significance. Last evaluated: 2021-07-20. Review status: criteria provided, single submitter. Criteria: Invitae Variant Classification Sherloc (09022015). Collection method: clinical testing. Allele origin: germline.
Comment: This sequence change replaces glycine with arginine at codon 826 of the CDH3 protein (p.Gly826Arg). The glycine residue is moderately conserved and there is a moderate physicochemical difference between glycine and arginine. This variant is present in population databases (rs561914735, ExAC 0.006%). This variant has not been reported in the literature in individuals with CDH3-related conditions. Algorithms developed to predict the effect of missense changes on protein structure and function are either unavailable or do not agree on the potential impact of this missense change (SIFT: "Not Available"; PolyPhen-2: "Probably Damaging"; Align-GVGD: "Not Available"). In summary, the available evidence is currently insufficient to determine the role of this variant in disease. Therefore, it has been classified as a Variant of Uncertain Significance.